The following is an entry in ClinVar:

NM_004429.5(EFNB1):c.182A>T (p.Asp61Val)

Gene: EFNB1 (ephrin B1; plus strand). Cytogenetic location: Xq13.1.
Variant type: single nucleotide variant.
Coding change: c.182A>T on transcript NM_004429.5 (MANE Select); coding-DNA position 182, A replaced by T.
Protein change: p.Asp61Val; replaces aspartic acid 61 with valine.
Molecular consequence: missense variant.
Genome position (GRCh38, 1-based): chrX:68,838,670, A>T. VCF-style: chrX-68838670-A-T. GRCh37 (hg19) VCF-style: chrX-68058513-A-T.
Other names: short protein forms D61V.
Identifiers: ClinVar variation 1716613 (VCV001716613.5), dbSNP rs2080468583, ClinGen allele CA413437372.

ClinVar aggregate classification (germline): Uncertain significance (1 of 4 stars; one submission).

Submission:

Labcorp Genetics (formerly Invitae), Labcorp
Classification: Uncertain significance. Last evaluated: 2022-09-06. Review status: criteria provided, single submitter. Criteria: Invitae Variant Classification Sherloc (09022015). Collection method: clinical testing. Allele origin: germline.
Comment: In summary, the available evidence is currently insufficient to determine the role of this variant in disease. Therefore, it has been classified as a Variant of Uncertain Significance. Algorithms developed to predict the effect of missense changes on protein structure and function are either unavailable or do not agree on the potential impact of this missense change (SIFT: "Deleterious"; PolyPhen-2: "Probably Damaging"; Align-GVGD: "Class C0"). This variant has not been reported in the literature in individuals affected with EFNB1-related conditions. This variant is not present in population databases (gnomAD no frequency). This sequence change replaces aspartic acid, which is acidic and polar, with valine, which is neutral and non-polar, at codon 61 of the EFNB1 protein (p.Asp61Val).